The following is an entry in ClinVar:

NM_006073.4(TRDN):c.1874A>G (p.Lys625Arg)

Gene: TRDN (triadin; minus strand). Cytogenetic location: 6q22.31.
Variant type: single nucleotide variant.
Coding change: c.1874A>G on transcript NM_006073.4 (MANE Select); coding-DNA position 1874, A replaced by G.
Protein change: p.Lys625Arg; replaces lysine 625 with arginine.
Molecular consequence: missense variant.
Genome position (GRCh38, 1-based): chr6:123,255,899, T>C on the plus strand (A>G on the coding strand, the complement: TRDN is on the minus strand). VCF-style: chr6-123255899-T-C. GRCh37 (hg19) VCF-style: chr6-123577044-T-C.
Other names: short protein forms K625R.
Identifiers: ClinVar variation 1498014 (VCV001498014.7), dbSNP rs1776539318, ClinGen allele CA365562383.

ClinVar aggregate classification (germline): Uncertain significance (1 of 4 stars; one submission).

Conditions:
Catecholaminergic polymorphic ventricular tachycardia 1. Also called: VENTRICULAR TACHYCARDIA, CATECHOLAMINERGIC POLYMORPHIC, 1, WITH OR WITHOUT ATRIAL DYSFUNCTION AND/OR DILATED CARDIOMYOPATHY; RYR2-Related Catecholaminergic Polymorphic Ventricular Tachycardia; VENTRICULAR TACHYCARDIA, STRESS-INDUCED POLYMORPHIC 1. Identifiers: Orphanet 3286, MedGen C1631597, MONDO:0011484, OMIM 604772.

Submission:

Labcorp Genetics (formerly Invitae), Labcorp
Classification: Uncertain significance for Catecholaminergic polymorphic ventricular tachycardia 1. Last evaluated: 2021-12-13. Review status: criteria provided, single submitter. Criteria: Invitae Variant Classification Sherloc (09022015). Collection method: clinical testing. Allele origin: germline.
Comment: Algorithms developed to predict the effect of missense changes on protein structure and function are either unavailable or do not agree on the potential impact of this missense change (SIFT: "Deleterious"; PolyPhen-2: "Possibly Damaging"; Align-GVGD: "Class C0"). In summary, the available evidence is currently insufficient to determine the role of this variant in disease. Therefore, it has been classified as a Variant of Uncertain Significance. This variant has not been reported in the literature in individuals affected with TRDN-related conditions. This variant is not present in population databases (gnomAD no frequency). This sequence change replaces lysine, which is basic and polar, with arginine, which is basic and polar, at codon 625 of the TRDN protein (p.Lys625Arg).